The following is an entry in ClinVar:

NM_017514.5(PLXNA3):c.4454C>T (p.Pro1485Leu)

Gene: PLXNA3 (plexin A3; plus strand). Cytogenetic location: Xq28.
Variant type: single nucleotide variant.
Coding change: c.4454C>T on transcript NM_017514.5 (MANE Select); coding-DNA position 4454, C replaced by T.
Protein change: p.Pro1485Leu; replaces proline 1485 with leucine.
Molecular consequence: missense variant.
Genome position (GRCh38, 1-based): chrX:154,469,075, C>T. VCF-style: chrX-154469075-C-T. GRCh37 (hg19) VCF-style: chrX-153697418-C-T.
Other names: c.4454C>T (NM_017514.4, NM_017514.3); short protein forms P1485L.
Identifiers: ClinVar variation 1206395 (VCV001206395.4), dbSNP rs182762097, ClinGen allele CA10564889.

ClinVar aggregate classification (germline): Uncertain significance. Review status: criteria provided, multiple submitters, no conflicts (2 of 4 stars). 4 submissions from 4 submitters: Uncertain significance (2). 2 of the submissions do not count toward it. Last evaluated 2026-03-21.

Conditions:
PLXNA3-related disorder. Also called: PLXNA3-related condition.

Allele frequency attached by ClinVar (database versions not stated): ESP Exome Variant Server 0.00009; gnomAD exomes 0.00010; ExAC 0.00013; gnomAD 0.00018 and 0.00020; 1000 Genomes Project 30x 0.00021; TOPMed 0.00021; 1000 Genomes Project 0.00026.
gnomAD v4.1: 89 of 1,210,265 alleles (0.0074%); highest among the groups gnomAD compares: African/African-American, 0.045%; no homozygotes.

Submissions (4):

PreventionGenetics, part of Exact Sciences
Classification: Uncertain significance for PLXNA3-related condition. Last evaluated: 2026-03-21. Review status: criteria provided, single submitter. Criteria: ACMG Guidelines, 2015. Collection method: clinical testing. Allele origin: germline.
Comment: The PLXNA3 c.4454C>T variant is predicted to result in the amino acid substitution p.Pro1485Leu. To our knowledge, this variant has not been reported in the literature. This variant is reported in 0.042% of alleles in individuals of African descent in gnomAD. Although we suspect that this variant may be benign, at this time, the clinical significance of this variant is uncertain due to the absence of conclusive functional and genetic evidence.

Ambry Genetics
Classification: Uncertain significance. Last evaluated: 2024-02-13. Review status: criteria provided, single submitter. Criteria: Ambry Variant Classification Scheme 2023. Collection method: clinical testing. Allele origin: germline.

Clinical Genetics DNA and cytogenetics Diagnostics Lab, Erasmus MC, Erasmus Medical Center
Classification: Uncertain significance. Review status: no assertion criteria provided. Collection method: clinical testing. Allele origin: germline. Affected: yes. Study: VKGL Data-share Consensus. Not counted in ClinVar's aggregate classification.

Laboratory of Diagnostic Genome Analysis, Leiden University Medical Center (LUMC)
Classification: Uncertain significance. Review status: no assertion criteria provided. Collection method: clinical testing. Allele origin: germline. Affected: yes. Study: VKGL Data-share Consensus. Not counted in ClinVar's aggregate classification.